The following is an entry in ClinVar:

ClinVar aggregate classification (germline): Conflicting classifications of pathogenicity. Review status: criteria provided, conflicting classifications (1 of 4 stars). 3 submissions from 3 submitters: Likely pathogenic (2); Uncertain significance (1). Last evaluated 2026-04-01.

Conditions:
Knobloch syndrome 1 (KNO1). Identifiers: MedGen C4551775, MONDO:0800167, OMIM 267750.

Allele frequency attached by ClinVar (database versions not stated): gnomAD exomes below 0.00001; TOPMed below 0.00001; gnomAD 0.00001.
gnomAD v4.1: 5 of 1,550,064 alleles (0.00032%); highest among the groups gnomAD compares: Admixed American, 0.0039%; no homozygotes.

Submissions (3):

CeGaT Center for Human Genetics Tuebingen
Classification: Uncertain significance. Last evaluated: 2026-04-01. Review status: criteria provided, single submitter. Criteria: CeGaT Center For Human Genetics Tuebingen Variant Classification Criteria Version 2. Collection method: clinical testing. Allele origin: germline. Affected: yes. Observed: 1 variant allele.
Comment: COL18A1: PM2, PVS1:Moderate

Labcorp Genetics (formerly Invitae), Labcorp
Classification: Likely pathogenic. Last evaluated: 2024-10-22. Review status: criteria provided, single submitter. Criteria: Invitae Variant Classification Sherloc (09022015). Collection method: clinical testing. Allele origin: germline.
Comment: This sequence change affects an acceptor splice site in intron 20 of the COL18A1 gene. It is expected to disrupt RNA splicing. Variants that disrupt the donor or acceptor splice site typically lead to a loss of protein function (PMID: 16199547), and loss-of-function variants in COL18A1 are known to be pathogenic (PMID: 12415512, 25456301). This variant is not present in population databases (gnomAD no frequency). This variant has not been reported in the literature in individuals affected with COL18A1-related conditions. ClinVar contains an entry for this variant (Variation ID: 2431924). Algorithms developed to predict the effect of sequence changes on RNA splicing suggest that this variant may disrupt the consensus splice site. In summary, the currently available evidence indicates that the variant is pathogenic, but additional data are needed to prove that conclusively. Therefore, this variant has been classified as Likely Pathogenic.

Laboratorio de Genetica e Diagnostico Molecular, Hospital Israelita Albert Einstein
Classification: Likely pathogenic for Knobloch syndrome 1. Last evaluated: 2022-08-04. Review status: criteria provided, single submitter. Criteria: ACMG Guidelines, 2015. Collection method: clinical testing. Allele origin: germline. Affected: yes. Observed: 1 variant allele.
Comment: ACMG classification criteria: PVS1 strong, PM2 moderated

Literature cited by the submitters: PubMed 16199547 (cited by Labcorp Genetics (formerly Invitae), Labcorp); PubMed 12415512 (cited by Labcorp Genetics (formerly Invitae), Labcorp); PubMed 25456301 (cited by Labcorp Genetics (formerly Invitae), Labcorp).

NM_001379500.1(COL18A1):c.2032-1G>A

Gene: COL18A1 (collagen type XVIII alpha 1 chain; plus strand). Cytogenetic location: 21q22.3.
Variant type: single nucleotide variant.
Coding change: c.2032-1G>A on transcript NM_001379500.1 (MANE Select); the canonical splice acceptor site of the intron before coding-DNA position 2032, G replaced by A.
Molecular consequence: splice acceptor variant.
Genome position (GRCh38, 1-based): chr21:45,490,835, G>A. VCF-style: chr21-45490835-G-A. GRCh37 (hg19) VCF-style: chr21-46910749-G-A.
Other names: c.3277-1G>A (NM_130444.3); c.2572-1G>A (NM_030582.4).
Identifiers: ClinVar variation 2431924 (VCV002431924.6), dbSNP rs2036311953, ClinGen allele CA410496845.